The following is an entry in ClinVar:

ClinVar aggregate classification (germline): Likely benign (1 of 4 stars; one submission).

Submission:

Women's Health and Genetics/Laboratory Corporation of America, LabCorp
Classification: Likely benign. Last evaluated: 2026-05-18. Review status: criteria provided, single submitter. Criteria: LabCorp Variant Classification Summary - May 2015. Collection method: clinical testing. Allele origin: germline.
Comment: Variant summary: DNAJB2 c.99C>T alters a conserved nucleotide resulting in a synonymous change. Consensus agreement among computation tools predict no significant impact on normal splicing. However, these predictions have yet to be confirmed by functional studies. The variant allele was found at a frequency of 8e-06 in 251374 control chromosomes. The available data on variant occurrences in the general population are insufficient to allow any conclusion about variant significance. To our knowledge, no occurrence of c.99C>T in individuals affected with DNAJB2-related conditions and no experimental evidence demonstrating its impact on protein function have been reported. No submitters have cited clinical-significance assessments for this variant to ClinVar. Based on the evidence outlined above, the variant was classified as likely benign.

NM_006736.6(DNAJB2):c.99C>T (p.Asp33=)

Gene: DNAJB2 (DnaJ heat shock protein family (Hsp40) member B2; plus strand). Cytogenetic location: 2q35.
Variant type: single nucleotide variant.
Coding change: c.99C>T on transcript NM_006736.6 (MANE Select); coding-DNA position 99, C replaced by T.
Protein change: p.Asp33=; no amino-acid change (aspartic acid 33 retained).
Molecular consequence: synonymous variant.
Genome position (GRCh38, 1-based): chr2:219,280,611, C>T. VCF-style: chr2-219280611-C-T. GRCh37 (hg19) VCF-style: chr2-220145333-C-T.
Other names: c.99C>T, p.Asp33= (NM_001039550.2).
Identifiers: ClinVar variation 4852984 (VCV004852984.1).
Genomic context (GRCh38, chr2:219,280,611, plus strand): 5'-TCTCTCCTCTGCACCCACTTTCTGCAGGTATCGGCGCAAGGCTCTCCAGTGGCACCCAGA[C>T]AAAAACCCAGATAATAAAGAGTTTGCTGAGAAGAAATTTAAGGAGGTGGCCGAGGCATAT-3'
Protein context (NP_006727.2, residues 23-43): YRRKALQWHP[Asp33=]KNPDNKEFAE